The following is an entry in ClinVar:

NM_017514.5(PLXNA3):c.437A>G (p.Gln146Arg)

Gene: PLXNA3 (plexin A3; plus strand). Cytogenetic location: Xq28.
Variant type: single nucleotide variant.
Coding change: c.437A>G on transcript NM_017514.5 (MANE Select); coding-DNA position 437, A replaced by G.
Protein change: p.Gln146Arg; replaces glutamine 146 with arginine.
Molecular consequence: missense variant.
Genome position (GRCh38, 1-based): chrX:154,460,620, A>G. VCF-style: chrX-154460620-A-G. GRCh37 (hg19) VCF-style: chrX-153688960-A-G.
Other names: short protein forms Q146R.
Identifiers: ClinVar variation 3349299 (VCV003349299.1).

ClinVar aggregate classification (germline): Uncertain significance (0 of 4 stars; one submission).

Conditions:
PLXNA3-related disorder. Also called: PLXNA3-related condition.

Submission:

PreventionGenetics, part of Exact Sciences
Classification: Uncertain significance for PLXNA3-related condition. Last evaluated: 2023-11-08. Review status: no assertion criteria provided. Collection method: clinical testing. Allele origin: germline.
Comment: The PLXNA3 c.437A>G variant is predicted to result in the amino acid substitution p.Gln146Arg. To our knowledge, this variant has not been reported in the literature or in a large population database, indicating this variant is rare. At this time, the clinical significance of this variant is uncertain due to the absence of conclusive functional and genetic evidence.